The following is an entry in ClinVar:

NM_001042472.3(ABHD12):c.749+3_749+4del

Genes: ABHD12 (abhydrolase domain containing 12, lysophospholipase; minus strand), LOC126863008 (CDK7 strongly-dependent group 2 enhancer GRCh37_chr20:25289826-25291025; plus strand). Cytogenetic location: 20p11.21.
Variant type: Deletion.
Coding change: c.749+3_749+4del on transcript NM_001042472.3 (MANE Select); bases 3 to 4 of the intron after coding-DNA position 749, 2 bases deleted (AA; older notation c.749+3_749+4delAA).
Molecular consequence: intron variant.
Genome position (GRCh38, 1-based): chr20:25,309,442-25,309,443, TT deleted on the plus strand (AA on the coding strand, the reverse complement: ABHD12 is on the minus strand). VCF-style (leftmost placement, unchanged base first): chr20-25309441-CTT-C. GRCh37 (hg19) VCF-style: chr20-25290077-CTT-C.
Other names: c.749+3_749+4del (NM_015600.5).
Identifiers: ClinVar variation 4718442 (VCV004718442.1).
Genomic context (GRCh38, chr20:25,309,441, plus strand): 5'-CAGGCATGGGAGTCACCAGGAATACTGACTCCCACTAAAGGCTGCCTCCTGCTGGGGTCC[CTT>C]ACCCAGTGCCCAGAGAGTGGCCCCAGATGTACACGGGGTTGTCACCACTTCTTGCTTTGA-3'

ClinVar aggregate classification (germline): Uncertain significance (1 of 4 stars; one submission).

Submission:

Labcorp Genetics (formerly Invitae), Labcorp
Classification: Uncertain significance. Last evaluated: 2025-04-27. Review status: criteria provided, single submitter. Criteria: Invitae Variant Classification Sherloc (09022015). Collection method: clinical testing. Allele origin: germline.
Comment: This sequence change falls in intron 7 of the ABHD12 gene. It does not directly change the encoded amino acid sequence of the ABHD12 protein. It affects a nucleotide within the consensus splice site. This variant is not present in population databases (gnomAD no frequency). This variant has not been reported in the literature in individuals affected with ABHD12-related conditions. Variants that disrupt the consensus splice site are a relatively common cause of aberrant splicing (PMID: 17576681, 9536098). Algorithms developed to predict the effect of sequence changes on RNA splicing suggest that this variant may disrupt the consensus splice site. In summary, the available evidence is currently insufficient to determine the role of this variant in disease. Therefore, it has been classified as a Variant of Uncertain Significance.

Literature cited by the submitters: PubMed 17576681; PubMed 9536098.